The following is an entry in ClinVar:

ClinVar aggregate classification (germline): Uncertain significance (1 of 4 stars; one submission).

Conditions:
Joubert syndrome 15 (JBTS15). Identifiers: Orphanet 475, MedGen C3280897, MONDO:0013763, OMIM 614464.

Allele frequency attached by ClinVar (database versions not stated): ExAC 0.00001.
gnomAD v4.1: 1 of 1,613,828 alleles (0.000062%); highest among the groups gnomAD compares: Admixed American, 0.0017%; no homozygotes.

Submission:

Labcorp Genetics (formerly Invitae), Labcorp
Classification: Uncertain significance for Joubert syndrome 15. Last evaluated: 2022-07-19. Review status: criteria provided, single submitter. Criteria: Invitae Variant Classification Sherloc (09022015). Collection method: clinical testing. Allele origin: germline.
Comment: In summary, the available evidence is currently insufficient to determine the role of this variant in disease. Therefore, it has been classified as a Variant of Uncertain Significance. This sequence change replaces glutamic acid, which is acidic and polar, with glutamine, which is neutral and polar, at codon 123 of the CEP41 protein (p.Glu123Gln). This variant is present in population databases (rs782614895, gnomAD 0.003%). This variant has not been reported in the literature in individuals affected with CEP41-related conditions. ClinVar contains an entry for this variant (Variation ID: 1476166). Algorithms developed to predict the effect of missense changes on protein structure and function are either unavailable or do not agree on the potential impact of this missense change (SIFT: "Deleterious"; PolyPhen-2: "Benign"; Align-GVGD: "Class C0").

NM_018718.3(CEP41):c.367G>C (p.Glu123Gln)

Gene: CEP41 (centrosomal protein 41; minus strand). Cytogenetic location: 7q32.2.
Variant type: single nucleotide variant.
Coding change: c.367G>C on transcript NM_018718.3 (MANE Select); coding-DNA position 367, G replaced by C.
Protein change: p.Glu123Gln; replaces glutamic acid 123 with glutamine.
Molecular consequence: missense variant.
Genome position (GRCh38, 1-based): chr7:130,404,619, C>G on the plus strand (G>C on the coding strand, the complement: CEP41 is on the minus strand). VCF-style: chr7-130404619-C-G. GRCh37 (hg19) VCF-style: chr7-130044460-C-G.
Other names: c.367G>C, p.Glu123Gln (NM_001257158.2); c.319G>C, p.Glu107Gln (NM_001257159.2); short protein forms E123Q, E107Q.
Identifiers: ClinVar variation 1476166 (VCV001476166.6), dbSNP rs782614895, ClinGen allele CA4485592.